The following is an entry in ClinVar:

NM_000463.3(UGT1A1):c.992A>G (p.Gln331Arg)

Genes: UGT1A (UDP glucuronosyltransferase family 1 member A complex locus; plus strand), UGT1A1 (UDP glucuronosyltransferase family 1 member A1; plus strand), UGT1A10 (UDP glucuronosyltransferase family 1 member A10; plus strand), UGT1A3 (UDP glucuronosyltransferase family 1 member A3; plus strand), UGT1A4 (UDP glucuronosyltransferase family 1 member A4; plus strand) and 5 more. Cytogenetic location: 2q37.1.
Variant type: single nucleotide variant.
Coding change: c.992A>G on transcript NM_000463.3 (MANE Select); coding-DNA position 992, A replaced by G.
Protein change: p.Gln331Arg; replaces glutamine 331 with arginine.
Molecular consequence: missense variant.
Genome position (GRCh38, 1-based): chr2:233,767,161, A>G. VCF-style: chr2-233767161-A-G. GRCh37 (hg19) VCF-style: chr2-234675807-A-G.
Other names: UGT1A1*9; 992(A>G); c.983A>G, p.Gln328Arg (NM_019075.4, NM_019076.5, NM_019077.3 and 1 more transcripts); c.989A>G, p.Gln330Arg (NM_001072.4); c.995A>G, p.Gln332Arg (NM_019093.4, NM_019078.2, NM_007120.3); c.188A>G, p.Gln63Arg (NM_205862.3); short protein forms Q331R, Q328R, Q330R, Q332R, Q63R.
Identifiers: ClinVar variation 12270 (VCV000012270.11), dbSNP rs72551348, ClinGen allele CA122041.

ClinVar aggregate classification (germline): Likely pathogenic. Review status: criteria provided, multiple submitters, no conflicts (2 of 4 stars). 8 submissions from 8 submitters: Likely pathogenic (7). 1 of the submissions does not count toward it. Last evaluated 2026-01-28.

Conditions:
UGT1A1-related disorder. Also called: UGT1A1-related disorders; UGT1A1-related condition.
Gilbert syndrome. Also called: Gilbert Disease; HYPERBILIRUBINEMIA, GILBERT TYPE; Gilbert's syndrome; HYPERBILIRUBINEMIA I; HYPERBILIRUBINEMIA, ARIAS TYPE. Identifiers: MedGen C0017551, MONDO:0007745, OMIM 143500.
Lucey-Driscoll syndrome (HBLRTFN). Also called: Transient familial neonatal hyperbilirubinemia. Identifiers: Orphanet 2312, MedGen C0270210, MONDO:0009383, OMIM 237900.
Crigler-Najjar syndrome, type II. Also called: Crigler Najjar syndrome, type 2; Mutation in the UDP-glucuronosyl-transferase gene; HYPERBILIRUBINEMIA, CRIGLER-NAJJAR TYPE II. Identifiers: Orphanet 205, Orphanet 79235, MedGen C2931132, MONDO:0011725, OMIM 606785.
BILIRUBIN, SERUM LEVEL OF, QUANTITATIVE TRAIT LOCUS 1 (BILIQTL1). Identifiers: MedGen C1866173, OMIM 601816.
Crigler-Najjar syndrome type 1. Also called: HYPERBILIRUBINEMIA, CRIGLER-NAJJAR TYPE I. Identifiers: Orphanet 79234, MedGen C0010324, MONDO:0021020, OMIM 218800.

Allele frequency attached by ClinVar (database versions not stated): gnomAD exomes below 0.00001 and 0.00004; gnomAD 0.00002; TOPMed 0.00002.
gnomAD v4.1: 60 of 1,614,012 alleles (0.0037%); highest among the groups gnomAD compares: Non-Finnish European, 0.0047%; no homozygotes.

Submissions (8):

Labcorp Genetics (formerly Invitae), Labcorp
Classification: Likely pathogenic. Last evaluated: 2026-01-28. Review status: criteria provided, single submitter. Criteria: Invitae Variant Classification Sherloc (09022015). Collection method: clinical testing. Allele origin: germline.
Comment: This sequence change replaces glutamine, which is neutral and polar, with arginine, which is basic and polar, at codon 331 of the UGT1A1 protein (p.Gln331Arg). This variant is present in population databases (rs72551348, gnomAD 0.0009%). This missense change has been observed in individual(s) with Crigler-Najjar syndrome type 2 (PMID: 8276413, 16712705; internal data). ClinVar contains an entry for this variant (Variation ID: 12270). Invitae Evidence Modeling of protein sequence and biophysical properties (such as structural, functional, and spatial information, amino acid conservation, physicochemical variation, residue mobility, and thermodynamic stability) indicates that this missense variant is expected to disrupt UGT1A1 protein function with a positive predictive value of 80%. Experimental studies have shown that this missense change affects UGT1A1 function (PMID: 19830808). Algorithms developed to predict the effect of sequence changes on RNA splicing suggest that this variant may disrupt the consensus splice site. This variant disrupts the p.Gln331 amino acid residue in UGT1A1. Other variant(s) that disrupt this residue have been observed in individuals with UGT1A1-related conditions (PMID: 25887876), which suggests that this may be a clinically significant amino acid residue. In summary, the currently available evidence indicates that the variant is pathogenic, but additional data are needed to prove that conclusively. Therefore, this variant has been classified as Likely Pathogenic.

Rady Children's Institute for Genomic Medicine, Rady Children's Hospital San Diego
Classification: Likely pathogenic for UGT1A1-related disorders. Last evaluated: 2025-03-31. Review status: criteria provided, single submitter. Criteria: ACMG Guidelines, 2015. Collection method: clinical testing. Allele origin: germline. Affected: yes.
Comment: The c.992A>G (p.Gln331Arg) variant affects a moderately conserved amino acid and is predicted by multiple in silico tools to have a deleterious effect on protein function. This variant has been previously reported as a homozygous change in one patient with Crigler-Najjar syndrome type II (PMID: 8276413). Additionally, the c.992A>G (p.Gln331Arg) variant has been reported as one of two heterozygous UGT1A1 variants in two other patients with Crigler-Najjar syndrome type II (PMID: 16712705). Functional studies demonstrate that the c.992A>G (p.Gln331Arg) variant results in a decrease in UGT1A1 activity (PMID: 19830808). The c.992A>G (p.Gln331Arg) variant is present in the latest version of the gnomAD population database at an allele frequency of 0.004% (60/1614012) and is absent in the homozygous state, thus is presumed to be rare. Based on the available evidence, c.992A>G (p.Gln331Arg) is classified as Likely Pathogenic.

PreventionGenetics, part of Exact Sciences
Classification: Likely pathogenic for UGT1A1-related condition. Last evaluated: 2025-02-18. Review status: criteria provided, single submitter. Criteria: ACMG Guidelines, 2015. Collection method: clinical testing. Allele origin: germline.
Comment: The UGT1A1 c.992A>G variant is predicted to result in the amino acid substitution p.Gln331Arg. This variant is also present in the UGT1A1 gene and can be called using the following alternate nomenclature in UGT1A1: NM_000463.2:c.992A>G (p.Gln331Arg). This variant has been reported in the homozygous state in an individual with Crigler-Najjar syndrome Type II (Moghrabi et al. 1993. PubMed ID: 8276413). This variant is reported in 0.00090% of alleles in individuals of European (non-Finnish) descent in gnomAD. An in vitro experimental study suggests this variant abolishes protein function (Sneitz et al. 2010. PubMed ID: 19830808). An alternate nucleotide change affecting the same amino acid (UGT1A1: NM_000463.2:c. 993G>C; p.Gln331His) has been reported to be causative for Gilbert's syndrome in combination with another variant in the UGT1A1 gene and homozygosity for the [A(TA)7TAA] dinucleotide repeat polymorphism in the UGT1A1 gene promoter (D'Angelo et al. 2015. PubMed ID: 25887876). In summary the c.983A>G (p.Gln328Arg) variant is interpreted as likely pathogenic.

Fulgent Genetics
Classification: Likely pathogenic for Gilbert syndrome; Crigler-Najjar syndrome type 1; Lucey-Driscoll syndrome; BILIRUBIN, SERUM LEVEL OF, QUANTITATIVE TRAIT LOCUS 1; Crigler-Najjar syndrome, type II. Last evaluated: 2024-05-13. Review status: criteria provided, single submitter. Criteria: ACMG Guidelines, 2015. Collection method: clinical testing. Allele origin: germline.

ARUP Laboratories, Molecular Genetics and Genomics, ARUP Laboratories
Classification: Likely pathogenic. Last evaluated: 2022-12-27. Review status: criteria provided, single submitter. Criteria: ARUP Molecular Germline Variant Investigation Process 2024. Collection method: clinical testing. Allele origin: germline.
Comment: The UGT1A1 c.992A>G; p.Gln331Arg variant (rs72551348) is reported in the literature in the homozygous state in an individual affected with Crigler-Najjar syndrome type 2 (Moghrabi 1993). This variant is reported in ClinVar (Variation ID: 12270), and is only observed on one allele in the Genome Aggregation Database, indicating it is not a common polymorphism. The glutamine at codon 331 is highly conserved, and computational analyses (SIFT, PolyPhen-2) predict that this variant is deleterious. Functional analyses of the variant protein show a loss of activity in a transformed cell line (Sneitz 2010). However, given the limited clinical and functional data, the significance of the p.Gln331Arg variant is uncertain at this time. References: Moghrabi N et al. Identification of an A-to-G missense mutation in exon 2 of the UGT1 gene complex that causes Crigler-Najjar syndrome type 2. Genomics. 1993;18(1):171-173. Sneitz N et al. Crigler-Najjar syndrome in The Netherlands: identification of four novel UGT1A1 alleles, genotype-phenotype correlation, and functional analysis of 10 missense mutants. Hum Mutat. 2010;31(1):52-59.

Mayo Clinic Laboratories, Mayo Clinic
Classification: Likely pathogenic. Last evaluated: 2022-08-25. Review status: criteria provided, single submitter. Criteria: ACMG Guidelines, 2015. Collection method: clinical testing. Allele origin: germline. Observed: 1 variant allele.
Comment: PP3, PM2, PM3_supporting, PS3

Genetic Services Laboratory, University of Chicago
Classification: Likely pathogenic. Last evaluated: 2017-10-31. Review status: criteria provided, single submitter. Criteria: ACMG Guidelines, 2015. Collection method: clinical testing. Allele origin: germline. Affected: yes.

OMIM
Classification: Pathogenic for CRIGLER-NAJJAR SYNDROME, TYPE II. Last evaluated: 1993-10-01. Review status: no assertion criteria provided. Collection method: literature only. Allele origin: germline. Not counted in ClinVar's aggregate classification.

Literature cited by the submitters: PubMed 8276413 (cited by 3 submitters); PubMed 16712705 (cited by Labcorp Genetics (formerly Invitae), Labcorp and Rady Children's Institute for Genomic Medicine, Rady Children's Hospital San Diego); PubMed 19830808 (cited by Labcorp Genetics (formerly Invitae), Labcorp and Rady Children's Institute for Genomic Medicine, Rady Children's Hospital San Diego); PubMed 25887876 (cited by Labcorp Genetics (formerly Invitae), Labcorp); PubMed 1692835 (cited by OMIM); PubMed 805737 (cited by OMIM).